The following is an entry in ClinVar:

NM_004655.4(AXIN2):c.1958C>T (p.Pro653Leu)

Gene: AXIN2 (axin 2; minus strand). Cytogenetic location: 17q24.1.
Variant type: single nucleotide variant.
Coding change: c.1958C>T on transcript NM_004655.4 (MANE Select); coding-DNA position 1958, C replaced by T.
Protein change: p.Pro653Leu; replaces proline 653 with leucine.
Molecular consequence: missense variant.
Genome position (GRCh38, 1-based): chr17:65,536,503, G>A on the plus strand (C>T on the coding strand, the complement: AXIN2 is on the minus strand). VCF-style: chr17-65536503-G-A. GRCh37 (hg19) VCF-style: chr17-63532621-G-A.
Other names: c.1763C>T, p.Pro588Leu (NM_001363813.1); short protein forms P653L, P588L.
Identifiers: ClinVar variation 4767551 (VCV004767551.1).

ClinVar aggregate classification (germline): Uncertain significance (1 of 4 stars; one submission).

Conditions:
Oligodontia-cancer predisposition syndrome. Also called: TOOTH AGENESIS-COLORECTAL CANCER SYNDROME. Identifiers: Orphanet 300576, MedGen C1837750, MONDO:0012075, OMIM 608615. Disease mechanism: loss of function.

Submission:

Labcorp Genetics (formerly Invitae), Labcorp
Classification: Uncertain significance for Oligodontia-cancer predisposition syndrome. Last evaluated: 2025-10-15. Review status: criteria provided, single submitter. Criteria: Invitae Variant Classification Sherloc (09022015). Collection method: clinical testing. Allele origin: germline.
Comment: This sequence change replaces proline, which is neutral and non-polar, with leucine, which is neutral and non-polar, at codon 653 of the AXIN2 protein (p.Pro653Leu). This variant is not present in population databases (gnomAD no frequency). This variant has not been reported in the literature in individuals affected with AXIN2-related conditions. An algorithm developed to predict the effect of missense changes on protein structure and function outputs the following: PolyPhen-2: "Benign". The leucine amino acid residue is found in multiple mammalian species, which suggests that this missense change does not adversely affect protein function. In summary, the available evidence is currently insufficient to determine the role of this variant in disease. Therefore, it has been classified as a Variant of Uncertain Significance.